The following is an entry in ClinVar:

ClinVar aggregate classification (germline): Pathogenic/Likely pathogenic. Review status: criteria provided, multiple submitters, no conflicts (2 of 4 stars). 2 submissions from 2 submitters: Pathogenic (1); Likely pathogenic (1). Last evaluated 2025-09-10.

Conditions:
Sponastrime dysplasia. Also called: SPONDYLAR AND NASAL ALTERATIONS WITH STRIATED METAPHYSES. Identifiers: Orphanet 93357, MedGen C1300260, MONDO:0010068, OMIM 271510.

Submissions (2):

Labcorp Genetics (formerly Invitae), Labcorp
Classification: Pathogenic. Last evaluated: 2025-09-10. Review status: criteria provided, single submitter. Criteria: Invitae Variant Classification Sherloc (09022015). Collection method: clinical testing. Allele origin: germline.
Comment: This sequence change creates a premature translational stop signal (p.Leu225Phefs*79) in the TONSL gene. It is expected to result in an absent or disrupted protein product. Loss-of-function variants in TONSL are known to be pathogenic (PMID: 30773277). This variant is not present in population databases (gnomAD no frequency). This variant has not been reported in the literature in individuals affected with TONSL-related conditions. ClinVar contains an entry for this variant (Variation ID: 3595449). For these reasons, this variant has been classified as Pathogenic.

Fulgent Genetics
Classification: Likely pathogenic for Sponastrime dysplasia. Last evaluated: 2024-01-31. Review status: criteria provided, single submitter. Criteria: ACMG Guidelines, 2015. Collection method: clinical testing. Allele origin: germline.

Literature cited by the submitters: PubMed 30773277 (cited by Labcorp Genetics (formerly Invitae), Labcorp).

NM_013432.5(TONSL):c.674dup (p.Leu225fs)

Gene: TONSL (tonsoku like, DNA repair protein; minus strand). Cytogenetic location: 8q24.3.
Variant type: Duplication.
Coding change: c.674dup on transcript NM_013432.5 (MANE Select); coding-DNA position 674, one base duplicated (T; older notation c.674dupT).
Protein change: p.Leu225fs; shifts the reading frame from leucine 225.
Molecular consequence: frameshift variant.
Genome position (GRCh38, 1-based): chr8:144,442,317, A duplicated on the plus strand (T on the coding strand, the reverse complement: TONSL is on the minus strand); the first of 2 consecutive A bases (chr8:144,442,317-144,442,318); duplicating either gives the same sequence. VCF-style (leftmost placement, unchanged base first): chr8-144442316-C-CA. GRCh37 (hg19) VCF-style: chr8-145667699-C-CA.
Other names: short protein forms L225fs.
Identifiers: ClinVar variation 3595449 (VCV003595449.2).